The following is an entry in ClinVar:

NC_000009.12:g.131853588C>T

Gene: MED27 (mediator complex subunit 27; minus strand). Cytogenetic location: 9q34.13.
Variant type: single nucleotide variant.
Genome position: GRCh38 VCF-style: chr9-131853588-C-T. GRCh37 (hg19) VCF-style: chr9-134728975-C-T.
Identifiers: ClinVar variation 5039317 (VCV005039317.1).

ClinVar aggregate classification (germline): Benign (1 of 4 stars; one submission).

Submission:

CeGaT Center for Human Genetics Tuebingen
Classification: Benign. Last evaluated: 2026-08-01. Review status: criteria provided, single submitter. Criteria: CeGaT Center For Human Genetics Tuebingen Variant Classification Criteria Version 2. Collection method: clinical testing. Allele origin: germline. Affected: yes. Observed: 1 variant allele.
Comment: MED27: BS1, BS2